The following is an entry in ClinVar:

NM_022089.4(ATP13A2):c.1845+1G>A

Gene: ATP13A2 (ATPase cation transporting 13A2; minus strand). Cytogenetic location: 1p36.13.
Variant type: single nucleotide variant.
Coding change: c.1845+1G>A on transcript NM_022089.4 (MANE Select); the canonical splice donor site of the intron after coding-DNA position 1845, G replaced by A.
Molecular consequence: splice donor variant.
Genome position (GRCh38, 1-based): chr1:16,992,485, C>T on the plus strand (G>A on the coding strand, the complement: ATP13A2 is on the minus strand). VCF-style: chr1-16992485-C-T. GRCh37 (hg19) VCF-style: chr1-17318980-C-T.
Other names: c.1830+1G>A (NM_001141974.3, NM_001141973.3).
Identifiers: ClinVar variation 854703 (VCV000854703.7), dbSNP rs2076970587, ClinGen allele CA338246638.

ClinVar aggregate classification (germline): Likely pathogenic (1 of 4 stars; one submission).

Conditions:
Autosomal recessive spastic paraplegia type 78. Identifiers: Orphanet 513436, MedGen C5567893, MONDO:0014975, OMIM 617225.
Kufor-Rakeb syndrome (KRS). Also called: PARKINSON DISEASE 9, AUTOSOMAL RECESSIVE, JUVENILE-ONSET. Identifiers: Orphanet 306674, Orphanet 314632, MedGen C1847640, MONDO:0011706, OMIM 606693.

Allele frequency attached by ClinVar (database versions not stated): gnomAD exomes below 0.00001; gnomAD 0.00001; TOPMed 0.00001.
gnomAD v4.1: 3 of 1,614,000 alleles (0.00019%); highest among the groups gnomAD compares: Non-Finnish European, 0.00025%; no homozygotes.

Submission:

Labcorp Genetics (formerly Invitae), Labcorp
Classification: Likely pathogenic for Kufor-Rakeb syndrome; Autosomal recessive spastic paraplegia type 78. Last evaluated: 2022-12-15. Review status: criteria provided, single submitter. Criteria: Invitae Variant Classification Sherloc (09022015). Collection method: clinical testing. Allele origin: germline.
Comment: In summary, the currently available evidence indicates that the variant is pathogenic, but additional data are needed to prove that conclusively. Therefore, this variant has been classified as Likely Pathogenic. Algorithms developed to predict the effect of sequence changes on RNA splicing suggest that this variant may disrupt the consensus splice site. ClinVar contains an entry for this variant (Variation ID: 854703). This variant has not been reported in the literature in individuals affected with ATP13A2-related conditions. This variant is not present in population databases (gnomAD no frequency). This sequence change affects a donor splice site in intron 17 of the ATP13A2 gene. It is expected to disrupt RNA splicing. Variants that disrupt the donor or acceptor splice site typically lead to a loss of protein function (PMID: 16199547), and loss-of-function variants in ATP13A2 are known to be pathogenic (PMID: 16964263, 21696388).

Literature cited by the submitters: PubMed 16199547; PubMed 16964263; PubMed 21696388.